The following is an entry in ClinVar:

ClinVar aggregate classification (germline): Benign. Review status: criteria provided, multiple submitters, no conflicts (2 of 4 stars). 2 submissions from 2 submitters: Benign (2). Last evaluated 2019-10-16.

Allele frequency attached by ClinVar (database versions not stated): ESP Exome Variant Server 0.00054; gnomAD exomes 0.00282 and 0.01209; gnomAD 0.00489 and 0.00530; TOPMed 0.00949; ExAC 0.00960; 1000 Genomes Project 0.01657; 1000 Genomes Project 30x 0.01843.
gnomAD v4.1: 4,856 of 1,596,870 alleles (0.3%); highest among the groups gnomAD compares: Admixed American, 7%; 222 homozygotes.

Submissions (2):

GeneDx
Classification: Benign. Last evaluated: 2019-10-16. Review status: criteria provided, single submitter. Criteria: GeneDx Variant Classification Process June 2021. Collection method: clinical testing. Allele origin: germline. Affected: yes.
Comment: This variant is associated with the following publications: (PMID: 29995760)

Breakthrough Genomics
Classification: Benign. Review status: criteria provided, single submitter. Criteria: ACMG Guidelines, 2015. Collection method: not provided. Allele origin: germline. Inheritance: Autosomal recessive inheritance. Affected: yes.

NM_004667.6(HERC2):c.9254+25T>C

Gene: HERC2 (HECT and RLD domain containing E3 ubiquitin protein ligase 2; minus strand). Cytogenetic location: 15q13.1.
Variant type: single nucleotide variant.
Coding change: c.9254+25T>C on transcript NM_004667.6 (MANE Select); 25 bases into the intron after coding-DNA position 9254, T replaced by C.
Molecular consequence: intron variant.
Genome position (GRCh38, 1-based): chr15:28,177,394, A>G on the plus strand (T>C on the coding strand, the complement: HERC2 is on the minus strand). VCF-style: chr15-28177394-A-G. GRCh37 (hg19) VCF-style: chr15-28422540-A-G.
Identifiers: ClinVar variation 1267261 (VCV001267261.3), dbSNP rs34662382, ClinGen allele CA7441207.